The following is an entry in ClinVar:

ClinVar aggregate classification (germline): Uncertain significance (1 of 4 stars; one submission).

gnomAD v4.1: 6 of 1,211,502 alleles (0.0005%); highest among the groups gnomAD compares: Non-Finnish European, 0.00056%; no homozygotes.

Submission:

Labcorp Genetics (formerly Invitae), Labcorp
Classification: Uncertain significance. Last evaluated: 2024-10-07. Review status: criteria provided, single submitter. Criteria: Invitae Variant Classification Sherloc (09022015). Collection method: clinical testing. Allele origin: germline.
Comment: This sequence change replaces methionine, which is neutral and non-polar, with threonine, which is neutral and polar, at codon 87 of the MBTPS2 protein (p.Met87Thr). This variant is present in population databases (rs368866917, gnomAD 0.008%). This variant has not been reported in the literature in individuals affected with MBTPS2-related conditions. Invitae Evidence Modeling of protein sequence and biophysical properties (such as structural, functional, and spatial information, amino acid conservation, physicochemical variation, residue mobility, and thermodynamic stability) indicates that this missense variant is expected to disrupt MBTPS2 protein function with a positive predictive value of 95%. In summary, the available evidence is currently insufficient to determine the role of this variant in disease. Therefore, it has been classified as a Variant of Uncertain Significance.

NM_015884.4(MBTPS2):c.260T>C (p.Met87Thr)

Gene: MBTPS2 (membrane bound transcription factor peptidase, site 2; plus strand). Cytogenetic location: Xp22.12.
Variant type: single nucleotide variant.
Coding change: c.260T>C on transcript NM_015884.4 (MANE Select); coding-DNA position 260, T replaced by C.
Protein change: p.Met87Thr; replaces methionine 87 with threonine.
Molecular consequence: missense variant.
Genome position (GRCh38, 1-based): chrX:21,845,206, T>C. VCF-style: chrX-21845206-T-C. GRCh37 (hg19) VCF-style: chrX-21863324-T-C.
Other names: short protein forms M87T.
Identifiers: ClinVar variation 3624531 (VCV003624531.2).
Genomic context (GRCh38, chrX:21,845,206, plus strand): 5'-ACATGATTTTTTTCCCTTTTGACAGGTTCAATTTTGGAATGGTGTTTGGCGTAATTGCCA[T>C]GTTTAGCTCATTTTTTCTCCTTGGAAAAACGCTGATGCAGACTTTGGCACAAATGATGGC-3'
Protein context (NP_056968.1, residues 77-97): NFGMVFGVIA[Met87Thr]FSSFFLLGKT